The following is an entry in ClinVar:

NM_001114753.3(ENG):c.-35A>T

Gene: ENG (endoglin; minus strand). Cytogenetic location: 9q34.11.
Variant type: single nucleotide variant.
Coding change: c.-35A>T on transcript NM_001114753.3 (MANE Select); 35 bases upstream of the start codon, A replaced by T.
Molecular consequence: 5 prime UTR variant.
Genome position (GRCh38, 1-based): chr9:127,854,390, T>A on the plus strand (A>T on the coding strand, the complement: ENG is on the minus strand). VCF-style: chr9-127854390-T-A. GRCh37 (hg19) VCF-style: chr9-130616669-T-A.
Other names: c.-35A>T (NM_000118.4, NM_001406715.1).
Identifiers: ClinVar variation 3655444 (VCV003655444.2).

ClinVar aggregate classification (germline): Uncertain significance (1 of 4 stars; one submission).

Conditions:
Hereditary hemorrhagic telangiectasia (HHT). Also called: ORW DISEASE; Osler Weber Rendu syndrome; OSLER-RENDU-WEBER DISEASE; Osler hemorrhagic telangiectasia syndrome. Identifiers: Orphanet 774, MedGen C0039445, MONDO:0019180. Disease mechanism: loss of function.

Submission:

Labcorp Genetics (formerly Invitae), Labcorp
Classification: Uncertain significance for Hereditary hemorrhagic telangiectasia. Last evaluated: 2024-08-06. Review status: criteria provided, single submitter. Criteria: Invitae Variant Classification Sherloc (09022015). Collection method: clinical testing. Allele origin: germline.
Comment: This variant occurs in a non-coding region of the ENG gene. It does not change the encoded amino acid sequence of the ENG protein. This variant is not present in population databases (gnomAD no frequency). This variant has not been reported in the literature in individuals affected with ENG-related conditions. Experimental studies and prediction algorithms are not available or were not evaluated, and the functional significance of this variant is currently unknown. In summary, the available evidence is currently insufficient to determine the role of this variant in disease. Therefore, it has been classified as a Variant of Uncertain Significance.